The following is an entry in ClinVar:

ClinVar aggregate classification (germline): Uncertain significance (1 of 4 stars; one submission).

Conditions:
Combined immunodeficiency due to DOCK8 deficiency (HIES2). Also called: Hyper-IgE recurrent infection syndrome, autosomal recessive; HIES autosomal recessive; HYPER-IgE SYNDROME 2, AUTOSOMAL RECESSIVE, WITH RECURRENT INFECTIONS; DOCK8 Deficiency; HYPER-IgE RECURRENT INFECTION SYNDROME 2, AUTOSOMAL RECESSIVE. Identifiers: Orphanet 217390, MedGen C4722305, MONDO:0009478, OMIM 243700.

Allele frequency attached by ClinVar (database versions not stated): ExAC 0.00001; gnomAD exomes 0.00001.
gnomAD v4.1: 7 of 1,613,990 alleles (0.00043%); highest among the groups gnomAD compares: Non-Finnish European, 0.00059%; no homozygotes.

Submission:

Labcorp Genetics (formerly Invitae), Labcorp
Classification: Uncertain significance for Combined immunodeficiency due to DOCK8 deficiency. Last evaluated: 2022-05-03. Review status: criteria provided, single submitter. Criteria: Invitae Variant Classification Sherloc (09022015). Collection method: clinical testing. Allele origin: germline.
Comment: In summary, the available evidence is currently insufficient to determine the role of this variant in disease. Therefore, it has been classified as a Variant of Uncertain Significance. Algorithms developed to predict the effect of missense changes on protein structure and function (SIFT, PolyPhen-2, Align-GVGD) all suggest that this variant is likely to be tolerated. This variant has not been reported in the literature in individuals affected with DOCK8-related conditions. This variant is present in population databases (rs780169933, gnomAD 0.0009%). This sequence change replaces isoleucine, which is neutral and non-polar, with valine, which is neutral and non-polar, at codon 757 of the DOCK8 protein (p.Ile757Val).

NM_203447.4(DOCK8):c.2269A>G (p.Ile757Val)

Gene: DOCK8 (dedicator of cytokinesis 8; plus strand). Cytogenetic location: 9p24.3.
Variant type: single nucleotide variant.
Coding change: c.2269A>G on transcript NM_203447.4 (MANE Select); coding-DNA position 2269, A replaced by G.
Protein change: p.Ile757Val; replaces isoleucine 757 with valine.
Molecular consequence: missense variant.
Genome position (GRCh38, 1-based): chr9:377,040, A>G. VCF-style: chr9-377040-A-G. GRCh37 (hg19) VCF-style: chr9-377040-A-G.
Other names: c.2065A>G, p.Ile689Val (NM_001190458.2, NM_001193536.2); short protein forms I757V, I689V.
Identifiers: ClinVar variation 1988552 (VCV001988552.4), dbSNP rs780169933, ClinGen allele CA4958151.